The following is an entry in ClinVar:

NM_206933.4(USH2A):c.2023C>T (p.Gln675Ter)

Gene: USH2A (usherin; minus strand). Cytogenetic location: 1q41.
Variant type: single nucleotide variant.
Coding change: c.2023C>T on transcript NM_206933.4 (MANE Select); coding-DNA position 2023, C replaced by T.
Protein change: p.Gln675Ter; replaces glutamine 675 with a stop codon.
Molecular consequence: nonsense.
Genome position (GRCh38, 1-based): chr1:216,251,047, G>A on the plus strand (C>T on the coding strand, the complement: USH2A is on the minus strand). VCF-style: chr1-216251047-G-A. GRCh37 (hg19) VCF-style: chr1-216424389-G-A.
Other names: c.2023C>T, p.Gln675Ter (NM_007123.6); short protein forms Q675*.
Identifiers: ClinVar variation 553607 (VCV000553607.16), dbSNP rs868562952, ClinGen allele CA37503819.

ClinVar aggregate classification (germline): Pathogenic/Likely pathogenic. Review status: criteria provided, multiple submitters, no conflicts (2 of 4 stars). 10 submissions from 9 submitters: Pathogenic (8); Likely pathogenic (1). 1 of the submissions does not count toward it. Last evaluated 2025-08-28.

Conditions:
Usher syndrome type 2A. Also called: RETINAL DISEASE IN USHER SYNDROME TYPE IIA, MODIFIER OF; USHER SYNDROME, TYPE IIA. Identifiers: Orphanet 231178, Orphanet 886, MedGen C1848634, MONDO:0010169, OMIM 276901.
Retinitis pigmentosa 39 (RP39). Identifiers: Orphanet 791, MedGen C3151138, MONDO:0013436, OMIM 613809.
Retinal dystrophy. Also called: Inherited retinal dystrophy. Identifiers: Orphanet 71862, MedGen C0854723, MeSH D058499, MONDO:0019118, HP:0000556.
USH2A-related disorder. Also called: USH2A-related disorders; USH2A-related condition. Identifiers: MedGen CN239332.

gnomAD v4.1: 6 of 1,614,058 alleles (0.00037%); highest among the groups gnomAD compares: Non-Finnish European, 0.00051%; no homozygotes.

Submissions (10):

Natera, Inc.
Classification: Pathogenic for Usher syndrome type 2A. Last evaluated: 2025-08-28. Review status: criteria provided, single submitter. Criteria: Natera Variant Classification Schema (03/2026). Collection method: clinical testing. Allele origin: germline.
Comment: The c.2023C>T variant in USH2A is a nonsense variant predicted to introduce a stop codon at amino acid 675. This variant is expected to result in nonsense mediated decay, truncation, or a dysfunctional protein product. This variant is rare in the general population with a frequency below the threshold expected for the associated phenotype(s). This variant has been observed in one or more individuals affected with the associated recessive disease, as either homozygous or compound heterozygous with a second variant (PMID: 22135276, 27957503). Given the available evidence, this variant is classified as Pathogenic.

Fulgent Genetics
Classification: Pathogenic for Usher syndrome type 2A; Retinitis pigmentosa 39. Last evaluated: 2024-05-14. Review status: criteria provided, single submitter. Criteria: ACMG Guidelines, 2015. Collection method: clinical testing. Allele origin: germline.

Genome-Nilou Lab
Classification: Pathogenic for Retinitis pigmentosa 39. Last evaluated: 2023-11-04. Review status: criteria provided, single submitter. Criteria: ACMG Guidelines, 2015. Collection method: clinical testing. Allele origin: germline. Affected: no.

Genome-Nilou Lab
Classification: Pathogenic for Usher syndrome type 2A. Last evaluated: 2023-11-04. Review status: criteria provided, single submitter. Criteria: ACMG Guidelines, 2015. Collection method: clinical testing. Allele origin: germline. Affected: no.

Baylor Genetics
Classification: Pathogenic for Retinitis pigmentosa 39. Last evaluated: 2023-08-30. Review status: criteria provided, single submitter. Criteria: ACMG Guidelines, 2015. Collection method: clinical testing. Allele origin: unknown.

Labcorp Genetics (formerly Invitae), Labcorp
Classification: Pathogenic. Last evaluated: 2022-05-03. Review status: criteria provided, single submitter. Criteria: Invitae Variant Classification Sherloc (09022015). Collection method: clinical testing. Allele origin: germline.
Comment: This sequence change creates a premature translational stop signal (p.Gln675*) in the USH2A gene. It is expected to result in an absent or disrupted protein product. Loss-of-function variants in USH2A are known to be pathogenic (PMID: 10729113, 10909849, 20507924, 25649381). This variant is not present in population databases (gnomAD no frequency). This premature translational stop signal has been observed in individual(s) with USH2A-related conditions (PMID: 10909849, 29625443). ClinVar contains an entry for this variant (Variation ID: 553607). For these reasons, this variant has been classified as Pathogenic.

Institute of Human Genetics, University of Leipzig Medical Center
Classification: Pathogenic for Retinitis pigmentosa 39. Last evaluated: 2021-09-21. Review status: criteria provided, single submitter. Criteria: ACMG Guidelines, 2015. Collection method: clinical testing. Allele origin: unknown. Affected: yes.
Comment: This variant was identified as compound heterozygous with NM_206933.4:c.2797C>T.

Blueprint Genetics
Classification: Likely pathogenic for USH2A-related disorders. Last evaluated: 2021-08-06. Review status: criteria provided, single submitter. Criteria: ACMG Guidelines, 2015. Collection method: clinical testing. Allele origin: germline. Affected: yes. Observed: 2 variant alleles.

Institute of Human Genetics, Univ. Regensburg, Univ. Regensburg
Classification: Pathogenic for Retinal dystrophy. Last evaluated: 2020-01-01. Review status: criteria provided, single submitter. Criteria: ACMG Guidelines, 2015. Collection method: clinical testing. Allele origin: germline. Affected: yes.

Counsyl
Classification: Pathogenic for Usher syndrome type 2A; Retinitis pigmentosa 39. Last evaluated: 2017-08-30. Review status: no assertion criteria provided. Collection method: clinical testing. Allele origin: unknown. Not counted in ClinVar's aggregate classification.

Literature cited by the submitters: PubMed 22135276 (cited by Natera, Inc. and Counsyl); PubMed 27957503 (cited by Natera, Inc. and Counsyl); PubMed 10729113 (cited by Labcorp Genetics (formerly Invitae), Labcorp); PubMed 10909849 (cited by Labcorp Genetics (formerly Invitae), Labcorp and Institute of Human Genetics, Univ. Regensburg, Univ. Regensburg); PubMed 20507924 (cited by Labcorp Genetics (formerly Invitae), Labcorp); PubMed 25649381 (cited by Labcorp Genetics (formerly Invitae), Labcorp); PubMed 29625443 (cited by Labcorp Genetics (formerly Invitae), Labcorp and Institute of Human Genetics, Univ. Regensburg, Univ. Regensburg); PubMed 25525159 (cited by Institute of Human Genetics, Univ. Regensburg, Univ. Regensburg); PubMed 31266775 (cited by Institute of Human Genetics, Univ. Regensburg, Univ. Regensburg); PubMed 32675063 (cited by Institute of Human Genetics, Univ. Regensburg, Univ. Regensburg).